The following is an entry in ClinVar:

ClinVar aggregate classification (germline): Likely benign (1 of 4 stars; one submission).

Submission:

CeGaT Center for Human Genetics Tuebingen
Classification: Likely benign. Last evaluated: 2024-11-01. Review status: criteria provided, single submitter. Criteria: CeGaT Center For Human Genetics Tuebingen Variant Classification Criteria Version 2. Collection method: clinical testing. Allele origin: germline. Affected: yes. Observed: 2 variant alleles.
Comment: TSPOAP1: BP4, BP7

NM_004758.4(TSPOAP1):c.2694T>G (p.Ala898=)

Gene: TSPOAP1 (TSPO associated protein 1; minus strand). Cytogenetic location: 17q22.
Variant type: single nucleotide variant.
Coding change: c.2694T>G on transcript NM_004758.4 (MANE Select); coding-DNA position 2694, T replaced by G.
Protein change: p.Ala898=; no amino-acid change (alanine 898 retained).
Molecular consequence: synonymous variant.
Genome position (GRCh38, 1-based): chr17:58,312,127, A>C on the plus strand (T>G on the coding strand, the complement: TSPOAP1 is on the minus strand). VCF-style: chr17-58312127-A-C. GRCh37 (hg19) VCF-style: chr17-56389488-A-C.
Other names: c.2694T>G, p.Ala898= (NM_001261835.2); c.2514T>G, p.Ala838= (NM_024418.3).
Identifiers: ClinVar variation 3239159 (VCV003239159.19), dbSNP rs1971093054.